The following is an entry in ClinVar:

ClinVar aggregate classification (germline): Uncertain significance (1 of 4 stars; one submission).

Conditions:
Hearing impairment. Also called: Impaired Hearing. Identifiers: MedGen C1384666, MONDO:0005365, HP:0000365.

Submission:

Department of Otolaryngology – Head & Neck Surgery, Cochlear Implant Center
Classification: Uncertain significance for Hearing impairment. Last evaluated: 2021-04-12. Review status: criteria provided, single submitter. Criteria: ClinGen HL ACMG Specifications v1. Collection method: clinical testing. Allele origin: germline. Affected: yes.
Comment: PM2_Moderate, PP3_Supporting

NM_004086.3(COCH):c.1423G>C (p.Asp475His)

Genes: COCH (cochlin; plus strand), COCH-AS1 (COCH antisense RNA 1; minus strand). Cytogenetic location: 14q12.
Variant type: single nucleotide variant.
Coding change: c.1423G>C on transcript NM_004086.3 (MANE Select); coding-DNA position 1423, G replaced by C.
Protein change: p.Asp475His; replaces aspartic acid 475 with histidine.
Molecular consequence: missense variant. On other transcripts: non-coding transcript variant (1).
Genome position (GRCh38, 1-based): chr14:30,886,258, G>C. VCF-style: chr14-30886258-G-C. GRCh37 (hg19) VCF-style: chr14-31355464-G-C.
Other names: c.1423G>C, p.Asp475His (NM_001135058.2); c.1618G>C, p.Asp540His (NM_001347720.2); short protein forms D475H, D540H.
Identifiers: ClinVar variation 1064993 (VCV001064993.3), dbSNP rs2138878739, ClinGen allele CA389349131.